The following is an entry in ClinVar:

ClinVar aggregate classification (germline): Uncertain significance (1 of 4 stars; one submission).

Allele frequency attached by ClinVar (database versions not stated): gnomAD exomes 0.00001; ExAC 0.00007.
gnomAD v4.1: 17 of 1,536,158 alleles (0.0011%); highest among the groups gnomAD compares: Non-Finnish European, 0.0012%; no homozygotes.

Submission:

Labcorp Genetics (formerly Invitae), Labcorp
Classification: Uncertain significance. Last evaluated: 2022-08-12. Review status: criteria provided, single submitter. Criteria: Invitae Variant Classification Sherloc (09022015). Collection method: clinical testing. Allele origin: germline.
Comment: This sequence change replaces proline, which is neutral and non-polar, with leucine, which is neutral and non-polar, at codon 684 of the ARMC9 protein (p.Pro684Leu). This variant is present in population databases (rs778199009, gnomAD 0.004%). This variant has not been reported in the literature in individuals affected with ARMC9-related conditions. Experimental studies and prediction algorithms are not available or were not evaluated, and the functional significance of this variant is currently unknown. In summary, the available evidence is currently insufficient to determine the role of this variant in disease. Therefore, it has been classified as a Variant of Uncertain Significance.

NM_001352754.2(ARMC9):c.2051C>T (p.Pro684Leu)

Gene: ARMC9 (armadillo repeat containing 9; plus strand). Cytogenetic location: 2q37.1.
Variant type: single nucleotide variant.
Coding change: c.2051C>T on transcript NM_001352754.2 (MANE Select); coding-DNA position 2051, C replaced by T.
Protein change: p.Pro684Leu; replaces proline 684 with leucine.
Molecular consequence: missense variant.
Genome position (GRCh38, 1-based): chr2:231,355,854, C>T. VCF-style: chr2-231355854-C-T. GRCh37 (hg19) VCF-style: chr2-232220566-C-T.
Other names: c.2051C>T, p.Pro684Leu (NM_001271466.4); short protein forms P684L.
Identifiers: ClinVar variation 2195473 (VCV002195473.1), dbSNP rs778199009, ClinGen allele CA2160576.